The following is an entry in ClinVar:

NM_000268.4(NF2):c.1198C>T (p.Gln400Ter)

Gene: NF2 (NF2, moesin-ezrin-radixin like (MERLIN) tumor suppressor; plus strand). Cytogenetic location: 22q12.2.
Variant type: single nucleotide variant.
Coding change: c.1198C>T on transcript NM_000268.4 (MANE Select); coding-DNA position 1198, C replaced by T.
Protein change: p.Gln400Ter; replaces glutamine 400 with a stop codon.
Molecular consequence: nonsense. On other transcripts: non-coding transcript variant (1), intron variant (1).
Genome position (GRCh38, 1-based): chr22:29,673,344, C>T. VCF-style: chr22-29673344-C-T. GRCh37 (hg19) VCF-style: chr22-30069333-C-T.
Other names: c.1198C>T, p.Gln400Ter (NM_016418.5, NM_181825.3, NM_181832.3); c.1072C>T, p.Gln358Ter (NM_181828.3); c.1075C>T, p.Gln359Ter (NM_181829.3); c.949C>T, p.Gln317Ter (NM_181830.3, NM_181831.3); c.448-21408C>T (NM_181833.3); short protein forms Q317*, Q358*, Q359*, Q400*.
Identifiers: ClinVar variation 1076273 (VCV001076273.9), dbSNP rs2147082728, ClinGen allele CA411148125.

ClinVar aggregate classification (germline): Pathogenic (1 of 4 stars; one submission).

Conditions:
Neurofibromatosis, type 2 (SWNV). Also called: BILATERAL ACOUSTIC NEUROFIBROMATOSIS; SCHWANNOMATOSIS, VESTIBULAR; NF2-Related Schwannomatosis. Identifiers: Orphanet 637, MedGen C0027832, MONDO:0007039, OMIM 101000. Disease mechanism: loss of function.

Submission:

Labcorp Genetics (formerly Invitae), Labcorp
Classification: Pathogenic for Neurofibromatosis, type 2. Last evaluated: 2020-09-24. Review status: criteria provided, single submitter. Criteria: Invitae Variant Classification Sherloc (09022015). Collection method: clinical testing. Allele origin: germline.
Comment: For these reasons, this variant has been classified as Pathogenic. Loss-of-function variants in NF2 are known to be pathogenic (PMID: 9643284, 16983642). This variant has been observed in individual(s) with neurofibromatosis type 2 (PMID: 8751853). This variant is not present in population databases (ExAC no frequency). This sequence change creates a premature translational stop signal (p.Gln400*) in the NF2 gene. It is expected to result in an absent or disrupted protein product.

Literature cited by the submitters: PubMed 9643284; PubMed 16983642; PubMed 8751853.